The following is an entry in ClinVar:

ClinVar aggregate classification (germline): Benign. Review status: criteria provided, multiple submitters, no conflicts (2 of 4 stars). 2 submissions from 2 submitters: Benign (2). Last evaluated 2018-06-14.

Allele frequency attached by ClinVar (database versions not stated): 1000 Genomes Project 30x 0.86696; TOPMed 0.86870; 1000 Genomes Project 0.87081; gnomAD 0.88694 and 0.89469; gnomAD exomes 0.94586.
gnomAD v4.1: 1,503,522 of 1,600,182 alleles (94%); highest among the groups gnomAD compares: South Asian, 97%; 708,619 homozygotes.

Submissions (2):

GeneDx
Classification: Benign. Last evaluated: 2018-06-14. Review status: criteria provided, single submitter. Criteria: GeneDx Variant Classification (06012015). Collection method: clinical testing. Allele origin: germline. Affected: yes.
Comment: This variant is considered likely benign or benign based on one or more of the following criteria: it is a conservative change, it occurs at a poorly conserved position in the protein, it is predicted to be benign by multiple in silico algorithms, and/or has population frequency not consistent with disease.

Breakthrough Genomics
Classification: Benign. Review status: criteria provided, single submitter. Criteria: ACMG Guidelines, 2015. Collection method: not provided. Allele origin: germline. Inheritance: Autosomal recessive inheritance. Affected: yes.

NM_001077365.2(POMT1):c.281-82C>T

Gene: POMT1 (protein O-mannosyltransferase 1; plus strand). Cytogenetic location: 9q34.13.
Variant type: single nucleotide variant.
Coding change: c.281-82C>T on transcript NM_001077365.2 (MANE Select); 82 bases into the intron before coding-DNA position 281, C replaced by T.
Molecular consequence: intron variant.
Genome position (GRCh38, 1-based): chr9:131,507,286, C>T. VCF-style: chr9-131507286-C-T. GRCh37 (hg19) VCF-style: chr9-134382673-C-T.
Other names: c.119-82C>T (NM_001353198.2, NM_001353194.2, NM_001374689.1 and 3 more transcripts); c.281-82C>T (NM_001353193.2, NM_001136113.2, NM_007171.4 and 1 more transcripts); c.-71-82C>T (NM_001374691.1, NM_001353195.2, NM_001374692.1 and 2 more transcripts); c.174-65C>T (NM_001353196.2); c.-29-1625C>T (NM_001374695.1); c.-30+833C>T (NM_001353200.2).
Identifiers: ClinVar variation 667979 (VCV000667979.2), dbSNP rs6597501, ClinGen allele CA13040133.